The following is an entry in ClinVar:

ClinVar aggregate classification (germline): Pathogenic/Likely pathogenic. Review status: criteria provided, multiple submitters, no conflicts (2 of 4 stars). 2 submissions from 2 submitters: Pathogenic (1); Likely pathogenic (1). Last evaluated 2024-01-22.

Conditions:
Usher syndrome type 1D (USH1D). Also called: USHER SYNDROME, TYPE ID. Identifiers: Orphanet 231169, Orphanet 886, MedGen C1832845, MONDO:0010984, OMIM 601067.
Autosomal recessive nonsyndromic hearing loss 23. Identifiers: Orphanet 90636, MedGen C1836027, MONDO:0012293, OMIM 609533.
Usher syndrome type 1F (USH1F). Also called: USHER SYNDROME, TYPE IF. Identifiers: Orphanet 231169, Orphanet 886, MedGen C1865885, MONDO:0011186, OMIM 602083.

Allele frequency attached by ClinVar (database versions not stated): gnomAD exomes below 0.00001; ExAC 0.00001.

Submissions (2):

Fulgent Genetics
Classification: Likely pathogenic for Usher syndrome type 1D; Usher syndrome type 1F; Autosomal recessive nonsyndromic hearing loss 23. Last evaluated: 2024-01-22. Review status: criteria provided, single submitter. Criteria: ACMG Guidelines, 2015. Collection method: clinical testing. Allele origin: germline.

Labcorp Genetics (formerly Invitae), Labcorp
Classification: Pathogenic. Last evaluated: 2023-10-03. Review status: criteria provided, single submitter. Criteria: Invitae Variant Classification Sherloc (09022015). Collection method: clinical testing. Allele origin: germline.
Comment: This sequence change creates a premature translational stop signal (p.Ala1510Valfs*10) in the PCDH15 gene. While this is not anticipated to result in nonsense mediated decay, it is expected to disrupt the last 446 amino acid(s) of the PCDH15 protein. This variant is present in population databases (rs762610333, gnomAD 0.0009%). This variant has not been reported in the literature in individuals affected with PCDH15-related conditions. ClinVar contains an entry for this variant (Variation ID: 1070354). This variant disrupts a region of the PCDH15 protein in which other variant(s) (p.Gln1576*) have been determined to be pathogenic (PMID: 28281779). This suggests that this is a clinically significant region of the protein, and that variants that disrupt it are likely to be disease-causing. For these reasons, this variant has been classified as Pathogenic.

Literature cited by the submitters: PubMed 28281779 (cited by Labcorp Genetics (formerly Invitae), Labcorp).

NM_033056.4(PCDH15):c.4523_4526dup (p.Ala1510fs)

Gene: PCDH15 (protocadherin related 15; minus strand). Cytogenetic location: 10q21.1.
Variant type: Duplication.
Coding change: c.4523_4526dup on transcript NM_033056.4 (MANE Plus Clinical); coding-DNA positions 4523 to 4526, 4 bases duplicated (AGTC; older notation c.4523_4526dupAGTC).
Protein change: p.Ala1510fs; shifts the reading frame from alanine 1510.
Molecular consequence: frameshift variant. On other transcripts: intron variant (8).
Genome position (GRCh38, 1-based): chr10:53,823,200-53,823,203, GACT duplicated on the plus strand (AGTC on the coding strand, the reverse complement: PCDH15 is on the minus strand). VCF-style (leftmost placement, unchanged base first): chr10-53823199-A-AGACT. GRCh37 (hg19) VCF-style: chr10-55582959-A-AGACT.
Other names: c.4544_4547dup, p.Ala1517fs (NM_001142763.2); c.4529_4532dup, p.Ala1512fs (NM_001142764.2); c.4316_4319dup, p.Ala1441fs (NM_001142765.2); c.4514_4517dup, p.Ala1507fs (NM_001142766.2); c.4403_4406dup, p.Ala1470fs (NM_001142767.2); c.4463_4466dup, p.Ala1490fs (NM_001142768.2); c.4454_4457dup, p.Ala1487fs (NM_001142773.2); c.4457_4460dup, p.Ala1488fs (NM_001354404.2); and 6 more; short protein forms A1441fs, A1470fs, A1487fs, A1488fs, A1490fs, A1507fs, A1510fs, A1512fs.
Identifiers: ClinVar variation 1070354 (VCV001070354.10), dbSNP rs1554820966, ClinGen allele CA5505259.
Genomic context (GRCh38, chr10:53,823,199, plus strand): 5'-ATAAAGGGGATTATGGGCACTTAAGTCATCCTCATCAGATAGAAATGTGAATTTTCTTGC[A>AGACT]GACTTCAGTTTGTTGCTCTTAAGTGATCCGTCTACATGAGCTGACTTGTGAGCCTCAATA-3'